The following is an entry in ClinVar:

ClinVar aggregate classification (germline): Likely benign (1 of 4 stars; one submission).

Conditions:
SEMA3D-related disorder. Also called: SEMA3D-related condition.

gnomAD v4.1: 3 of 1,603,720 alleles (0.00019%); highest among the groups gnomAD compares: Admixed American, 0.005%; no homozygotes.

Submission:

PreventionGenetics, part of Exact Sciences
Classification: Likely benign for SEMA3D-related condition. Last evaluated: 2026-03-11. Review status: criteria provided, single submitter. Criteria: ACMG Guidelines, 2015. Collection method: clinical testing. Allele origin: germline.
Comment: This variant is classified as likely benign based on ACMG/AMP sequence variant interpretation guidelines (Richards et al. 2015 PMID: 25741868, with internal and published modifications).

NM_001384900.1(SEMA3D):c.1500C>T (p.Phe500=)

Gene: SEMA3D (semaphorin 3D; minus strand). Cytogenetic location: 7q21.11.
Variant type: single nucleotide variant.
Coding change: c.1500C>T on transcript NM_001384900.1 (MANE Select); coding-DNA position 1500, C replaced by T.
Protein change: p.Phe500=; no amino-acid change (phenylalanine 500 retained).
Molecular consequence: synonymous variant.
Genome position (GRCh38, 1-based): chr7:85,020,236, G>A on the plus strand (C>T on the coding strand, the complement: SEMA3D is on the minus strand). VCF-style: chr7-85020236-G-A. GRCh37 (hg19) VCF-style: chr7-84649552-G-A.
Other names: c.1500C>T, p.Phe500= (NM_001384901.1, NM_001384902.1, NM_001384903.1 and 1 more transcripts).
Identifiers: ClinVar variation 4985648 (VCV004985648.1).